The following is an entry in ClinVar:

ClinVar aggregate classification (germline): Uncertain significance (1 of 4 stars; one submission).

gnomAD v4.1: 5 of 1,594,652 alleles (0.00031%); highest among the groups gnomAD compares: Non-Finnish European, 0.00043%; no homozygotes.

Submission:

Labcorp Genetics (formerly Invitae), Labcorp
Classification: Uncertain significance. Last evaluated: 2026-01-06. Review status: criteria provided, single submitter. Criteria: Invitae Variant Classification Sherloc (09022015). Collection method: clinical testing. Allele origin: germline.
Comment: This sequence change replaces methionine, which is neutral and non-polar, with valine, which is neutral and non-polar, at codon 282 of the GATA5 protein (p.Met282Val). This variant is not present in population databases (gnomAD no frequency). This variant has not been reported in the literature in individuals affected with GATA5-related conditions. Invitae Evidence Modeling of protein sequence and biophysical properties (such as structural, functional, and spatial information, amino acid conservation, physicochemical variation, residue mobility, and thermodynamic stability) indicates that this missense variant is expected to disrupt GATA5 protein function with a positive predictive value of 80%. In summary, the available evidence is currently insufficient to determine the role of this variant in disease. Therefore, it has been classified as a Variant of Uncertain Significance.

NM_080473.5(GATA5):c.844A>G (p.Met282Val)

Gene: GATA5 (GATA binding protein 5; minus strand). Cytogenetic location: 20q13.33.
Variant type: single nucleotide variant.
Coding change: c.844A>G on transcript NM_080473.5 (MANE Select); coding-DNA position 844, A replaced by G.
Protein change: p.Met282Val; replaces methionine 282 with valine.
Molecular consequence: missense variant.
Genome position (GRCh38, 1-based): chr20:62,465,903, T>C on the plus strand (A>G on the coding strand, the complement: GATA5 is on the minus strand). VCF-style: chr20-62465903-T-C. GRCh37 (hg19) VCF-style: chr20-61040959-T-C.
Other names: short protein forms M282V.
Identifiers: ClinVar variation 4803481 (VCV004803481.1).
Genomic context (GRCh38, chr20:62,465,903, plus strand): 5'-CCCTGGCCTTGGCGATGGTCTTTGGCTTCCGCTTCCGTGTCTGGATGCTTTCCTTCTTCA[T>C]AGCCAGAGGCCGCGGCACCTGGCAGGGGTGGCGAGGGTGGAGGCTGGTCCCATCCCTGCT-3'
Protein context (NP_536721.1, residues 272-292): KLHGVPRPLA[Met282Val]KKESIQTRKR